The following is an entry in ClinVar:

NM_000531.6(OTC):c.586G>T (p.Asp196Tyr)

Gene: OTC (ornithine transcarbamylase; plus strand). Cytogenetic location: Xp11.4.
Variant type: single nucleotide variant.
Coding change: c.586G>T on transcript NM_000531.6 (MANE Select); coding-DNA position 586, G replaced by T.
Protein change: p.Asp196Tyr; replaces aspartic acid 196 with tyrosine.
Molecular consequence: missense variant.
Genome position (GRCh38, 1-based): chrX:38,403,663, G>T. VCF-style: chrX-38403663-G-T. GRCh37 (hg19) VCF-style: chrX-38262916-G-T.
Other names: short protein forms D196Y.
Identifiers: ClinVar variation 97258 (VCV000097258.3), dbSNP rs66642398, ClinGen allele CA224693.

ClinVar aggregate classification (germline): Likely pathogenic. Review status: criteria provided, single submitter (1 of 4 stars). 2 submissions from 2 submitters: Likely pathogenic (1). 1 of the submissions does not count toward it. Last evaluated 2023-09-19.

Conditions:
Ornithine carbamoyltransferase deficiency (OTCD). Also called: ORNITHINE TRANSCARBAMYLASE DEFICIENCY, HYPERAMMONEMIA DUE TO; ORNITHINE TRANSCARBAMYLASE DEFICIENCY; OTC DEFICIENCY; Ornithine Carbamoyltransferase Deficiency Disease. Identifiers: Orphanet 664, MedGen C0268542, MONDO:0010703, OMIM 311250.

Submissions (2):

Pittsburgh Clinical Genomics Laboratory, University of Pittsburgh Medical Center
Classification: Likely pathogenic for Ornithine carbamoyltransferase deficiency. Last evaluated: 2023-09-19. Review status: criteria provided, single submitter. Criteria: ACMG Guidelines, 2015. Collection method: clinical testing. Allele origin: germline. Inheritance: X-linked inheritance. Affected: yes.
Comment: This sequence variant is a single nucleotide substitution (G>T) at position 586 of the coding sequence of the OTC gene that results in a aspartic acid to tyrosine amino acid change at residue 196 of the ornithine transcarbamylase protein. This is a previously reported variant (ClinVar 97258) that has been observed in individuals affected by ornithine transcarbamylase deficiency (PMID: 9686344, 17044854). This variant is absent from the gnomAD population database (0/~200,000 alleles). Multiple bioinformatic tools predict that this Asp to Tyr amino acid change would be damaging, and the Asp196 residue at this position is highly conserved across the vertebrate species examined. Studies examining the functiol consequence of this variant have not been performed, to our knowledge; however missense mutation is a common mechanism of disease for OTC, and different variants at this position have been previously considered pathogenic. Based upon the evidence, we consider this variant to be likely pathogenic. ACMG Criteria: PM2, PP2, PP3, PS4

GenMed Metabolism Lab
Classification: Pathogenic. Review status: no assertion criteria provided. Collection method: not provided. Allele origin: unknown. Not counted in ClinVar's aggregate classification.
Comment: p.Asp196Tyr, Neonatal
ClinVar note: Converted during submission from pathogenic to Pathogenic.

Literature cited by the submitters: PubMed 17044854 (cited by Pittsburgh Clinical Genomics Laboratory, University of Pittsburgh Medical Center); PubMed 9686344 (cited by Pittsburgh Clinical Genomics Laboratory, University of Pittsburgh Medical Center).